The following is an entry in ClinVar:

NM_006785.4(MALT1):c.446G>A (p.Arg149Gln)

Gene: MALT1 (MALT1 paracaspase; plus strand). Cytogenetic location: 18q21.32.
Variant type: single nucleotide variant.
Coding change: c.446G>A on transcript NM_006785.4 (MANE Select); coding-DNA position 446, G replaced by A.
Protein change: p.Arg149Gln; replaces arginine 149 with glutamine.
Molecular consequence: missense variant.
Genome position (GRCh38, 1-based): chr18:58,696,435, G>A. VCF-style: chr18-58696435-G-A. GRCh37 (hg19) VCF-style: chr18-56363667-G-A.
Other names: c.446G>A, p.Arg149Gln (NM_173844.3); short protein forms R149Q.
Identifiers: ClinVar variation 838949 (VCV000838949.6), dbSNP rs147414021, ClinGen allele CA8977642.

ClinVar aggregate classification (germline): Uncertain significance. Review status: criteria provided, multiple submitters, no conflicts (2 of 4 stars). 3 submissions from 3 submitters: Uncertain significance (3). Last evaluated 2024-11-20.

Conditions:
Combined immunodeficiency due to MALT1 deficiency. Also called: Immunodeficiency 12. Identifiers: Orphanet 397964, MedGen C3809583, MONDO:0014197, OMIM 615468.

Allele frequency attached by ClinVar (database versions not stated): gnomAD 0.00028 and 0.00036; TOPMed 0.00031; gnomAD exomes 0.00045 and 0.00064; ESP Exome Variant Server 0.00054; ExAC 0.00055; 1000 Genomes Project 30x 0.00094; 1000 Genomes Project 0.00100.

Submissions (3):

Blueprint Genetics
Classification: Uncertain significance. Last evaluated: 2024-11-20. Review status: criteria provided, single submitter. Criteria: ACMG Guidelines, 2015. Collection method: clinical testing. Allele origin: germline.

Labcorp Genetics (formerly Invitae), Labcorp
Classification: Uncertain significance for Combined immunodeficiency due to MALT1 deficiency. Last evaluated: 2022-10-17. Review status: criteria provided, single submitter. Criteria: Invitae Variant Classification Sherloc (09022015). Collection method: clinical testing. Allele origin: germline.
Comment: This sequence change replaces arginine, which is basic and polar, with glutamine, which is neutral and polar, at codon 149 of the MALT1 protein (p.Arg149Gln). This variant is present in population databases (rs147414021, gnomAD 0.2%). This variant has not been reported in the literature in individuals affected with MALT1-related conditions. ClinVar contains an entry for this variant (Variation ID: 838949). Advanced modeling of protein sequence and biophysical properties (such as structural, functional, and spatial information, amino acid conservation, physicochemical variation, residue mobility, and thermodynamic stability) performed at Invitae indicates that this missense variant is not expected to disrupt MALT1 protein function. In summary, the available evidence is currently insufficient to determine the role of this variant in disease. Therefore, it has been classified as a Variant of Uncertain Significance.

Fulgent Genetics
Classification: Uncertain significance for Combined immunodeficiency due to MALT1 deficiency. Last evaluated: 2022-05-16. Review status: criteria provided, single submitter. Criteria: ACMG Guidelines, 2015. Collection method: clinical testing. Allele origin: unknown.